The following is an entry in ClinVar:

ClinVar aggregate classification (germline): Pathogenic/Likely pathogenic. Review status: criteria provided, multiple submitters, no conflicts (2 of 4 stars). 4 submissions from 4 submitters: Pathogenic (1); Likely pathogenic (2). 1 of the submissions does not count toward it. Last evaluated 2024-01-16.

Conditions:
Cholesteryl ester storage disease (CESD). Also called: Childhood/Adult-Onset LAL-D (Cholesterol Ester Storage Disease [CESD]). Identifiers: Orphanet 75234, MedGen C0008384, MONDO:0019149, OMIM 278000.
Wolman disease (WOLD). Also called: Wolman disease, CESD; LYSOSOMAL ACID LIPASE DEFICIENCY, ACUTE INFANTILE; LYSOSOMAL ACID LIPASE DEFICIENCY, COMPLETE; LIPA DEFICIENCY, COMPLETE; LAL DEFICIENCY, COMPLETE; CHOLESTEROL ESTER HYDROLASE DEFICIENCY, COMPLETE. Identifiers: Orphanet 75233, MedGen C0043208, MONDO:0019148, OMIM 620151.
Lysosomal acid lipase deficiency. Also called: Acid cholesteryl ester hydrolase deficiency, type 2. Identifiers: Orphanet 275761, MedGen C5574740, MONDO:0800449, MONDO:0010204.

Allele frequency attached by ClinVar (database versions not stated): gnomAD exomes below 0.00001; ExAC 0.00001.
gnomAD v4.1: 3 of 1,614,172 alleles (0.00019%); highest among the groups gnomAD compares: Non-Finnish European, 0.00025%; no homozygotes.

Submissions (4):

Fulgent Genetics
Classification: Likely pathogenic for Cholesteryl ester storage disease; Wolman disease. Last evaluated: 2024-01-16. Review status: criteria provided, single submitter. Criteria: ACMG Guidelines, 2015. Collection method: clinical testing. Allele origin: germline.

Labcorp Genetics (formerly Invitae), Labcorp
Classification: Pathogenic for Wolman disease. Last evaluated: 2022-04-03. Review status: criteria provided, single submitter. Criteria: Invitae Variant Classification Sherloc (09022015). Collection method: clinical testing. Allele origin: germline.
Comment: ClinVar contains an entry for this variant (Variation ID: 554874). Advanced modeling of protein sequence and biophysical properties (such as structural, functional, and spatial information, amino acid conservation, physicochemical variation, residue mobility, and thermodynamic stability) performed at Invitae indicates that this missense variant is expected to disrupt LIPA protein function. Experimental studies have shown that this missense change affects LIPA function (PMID: 31180157). For these reasons, this variant has been classified as Pathogenic. This missense change has been observed in individual(s) with biochemical diagnosis of lysosomal acid lipase deficiency (PMID: 29958253, 30684275, 32382506). This variant is present in population databases (rs766364179, gnomAD 0.0009%). This sequence change replaces serine, which is neutral and polar, with arginine, which is basic and polar, at codon 103 of the LIPA protein (p.Ser103Arg).

Alexion, Astrazeneca Rare Disease, Astrazeneca
Classification: Likely pathogenic for Lysosomal acid lipase deficiency. Last evaluated: 2019-06-01. Review status: criteria provided, single submitter. Criteria: ACMG Guidelines, 2015. Collection method: research. Allele origin: germline. Affected: yes.
Comment: ACMG PS3 criterion ascertained by in-vitro functional study, PMID:31180157

Counsyl
Classification: Uncertain significance for Cholesteryl ester storage disease. Last evaluated: 2017-11-08. Review status: no assertion criteria provided. Collection method: clinical testing. Allele origin: unknown. Not counted in ClinVar's aggregate classification.

Literature cited by the submitters: PubMed 31180157 (cited by Labcorp Genetics (formerly Invitae), Labcorp and Alexion, Astrazeneca Rare Disease, Astrazeneca); PubMed 29958253 (cited by Labcorp Genetics (formerly Invitae), Labcorp); PubMed 30684275 (cited by Labcorp Genetics (formerly Invitae), Labcorp); PubMed 32382506 (cited by Labcorp Genetics (formerly Invitae), Labcorp).

NM_000235.4(LIPA):c.309C>A (p.Ser103Arg)

Gene: LIPA (lipase A, lysosomal acid type; minus strand). Cytogenetic location: 10q23.31.
Variant type: single nucleotide variant.
Coding change: c.309C>A on transcript NM_000235.4 (MANE Select); coding-DNA position 309, C replaced by A.
Protein change: p.Ser103Arg; replaces serine 103 with arginine.
Molecular consequence: missense variant. On other transcripts: 5 prime UTR variant (1).
Genome position (GRCh38, 1-based): chr10:89,228,319, G>T on the plus strand (C>A on the coding strand, the complement: LIPA is on the minus strand). VCF-style: chr10-89228319-G-T. GRCh37 (hg19) VCF-style: chr10-90988076-G-T.
Other names: c.309C>A, p.Ser103Arg (NM_001127605.3); c.-40C>A (NM_001288979.2); short protein forms S103R.
Identifiers: ClinVar variation 554874 (VCV000554874.12), dbSNP rs766364179, ClinGen allele CA5593764.